The following is an entry in ClinVar:

ClinVar aggregate classification (germline): Uncertain significance (1 of 4 stars; one submission).

Submission:

GeneDx
Classification: Uncertain significance. Last evaluated: 2024-06-27. Review status: criteria provided, single submitter. Criteria: GeneDx Variant Classification Process June 2021. Collection method: clinical testing. Allele origin: germline. Affected: yes.
Comment: Not observed at significant frequency in large population cohorts (gnomAD); In silico analysis supports that this missense variant has a deleterious effect on protein structure/function; Has not been previously published as pathogenic or benign to our knowledge; In silico analysis suggests this variant may impact gene splicing. In the absence of RNA/functional studies, the actual effect of this sequence change is unknown.

NM_182641.4(BPTF):c.1864+715G>T

Gene: BPTF (bromodomain PHD finger transcription factor; plus strand). Cytogenetic location: 17q24.2.
Variant type: single nucleotide variant.
Coding change: c.1864+715G>T on transcript NM_182641.4 (MANE Select); 715 bases into the intron after coding-DNA position 1864, G replaced by T.
Molecular consequence: intron variant. On other transcripts: missense variant (1).
Genome position (GRCh38, 1-based): chr17:67,875,735, G>T. VCF-style: chr17-67875735-G-T. GRCh37 (hg19) VCF-style: chr17-65871851-G-T.
Other names: c.2044G>T, p.Asp682Tyr (NM_004459.7); short protein forms D682Y.
Identifiers: ClinVar variation 3393594 (VCV003393594.1).
Genomic context (GRCh38, chr17:67,875,735, plus strand): 5'-TCAGAAACCCCCGATAGCAGCAACATGGCAGAGAAGAAGGTGGCATCTGAGCTCCCCCAG[G>T]ATGTGCCAGGTACAGAGGGCAGCGTATCAATGCCTCTGTAATGGGGGGAATCCTTCCCTT-3'